The following is an entry in ClinVar:

ClinVar aggregate classification (germline): Uncertain significance (1 of 4 stars; one submission).

Submission:

Labcorp Genetics (formerly Invitae), Labcorp
Classification: Uncertain significance. Last evaluated: 2024-11-26. Review status: criteria provided, single submitter. Criteria: Invitae Variant Classification Sherloc (09022015). Collection method: clinical testing. Allele origin: germline.
Comment: This sequence change falls in intron 22 of the FOCAD gene. It does not directly change the encoded amino acid sequence of the FOCAD protein. This variant is not present in population databases (gnomAD no frequency). This variant has not been reported in the literature in individuals affected with FOCAD-related conditions. Algorithms developed to predict the effect of sequence changes on RNA splicing suggest that this variant may create or strengthen a splice site. In summary, the available evidence is currently insufficient to determine the role of this variant in disease. Therefore, it has been classified as a Variant of Uncertain Significance.

NM_001375567.1(FOCAD):c.2504-9T>A

Gene: FOCAD (focadhesin; plus strand). Cytogenetic location: 9p21.3.
Variant type: single nucleotide variant.
Coding change: c.2504-9T>A on transcript NM_001375567.1 (MANE Select); 9 bases into the intron before coding-DNA position 2504, T replaced by A.
Molecular consequence: intron variant.
Genome position (GRCh38, 1-based): chr9:20,885,100, T>A. VCF-style: chr9-20885100-T-A. GRCh37 (hg19) VCF-style: chr9-20885099-T-A.
Other names: c.2504-9T>A (NM_017794.5); c.2399-9T>A (NM_001375568.1, NM_001375570.1).
Identifiers: ClinVar variation 3663757 (VCV003663757.2).